The following is an entry in ClinVar:

NM_002860.4(ALDH18A1):c.20G>A (p.Arg7His)

Gene: ALDH18A1 (aldehyde dehydrogenase 18 family member A1; minus strand). Cytogenetic location: 10q24.1.
Variant type: single nucleotide variant.
Coding change: c.20G>A on transcript NM_002860.4 (MANE Select); coding-DNA position 20, G replaced by A.
Protein change: p.Arg7His; replaces arginine 7 with histidine.
Molecular consequence: missense variant. On other transcripts: 5 prime UTR variant (4).
Genome position (GRCh38, 1-based): chr10:95,653,358, C>T on the plus strand (G>A on the coding strand, the complement: ALDH18A1 is on the minus strand). VCF-style: chr10-95653358-C-T. GRCh37 (hg19) VCF-style: chr10-97413115-C-T.
Other names: c.20G>A, p.Arg7His (NM_001017423.2, NM_001323413.2, NM_001323414.2 and 2 more transcripts); c.-99G>A (NM_001323412.2, NM_001323416.2, NM_001323418.2); c.-147G>A (NM_001323419.2); short protein forms R7H.
Identifiers: ClinVar variation 2935952 (VCV002935952.3), dbSNP rs753553298, ClinGen allele CA5620712.

ClinVar aggregate classification (germline): Uncertain significance (1 of 4 stars; one submission).

Conditions:
Autosomal dominant spastic paraplegia type 9. Identifiers: MedGen C1832669, MONDO:0015091.
de Barsy syndrome. Also called: Cutis laxa-corneal clouding-oligophrenia syndrome. Identifiers: Orphanet 2962, MedGen C0268354, MONDO:0017569.
Cutis laxa, autosomal dominant 3 (ADCL3). Identifiers: Orphanet 90348, MedGen C4225268, MONDO:0014706, OMIM 616603.

Allele frequency attached by ClinVar (database versions not stated): gnomAD 0.00001.
gnomAD v4.1: 14 of 1,613,072 alleles (0.00087%); highest among the groups gnomAD compares: Admixed American, 0.01%; no homozygotes.

Submission:

Labcorp Genetics (formerly Invitae), Labcorp
Classification: Uncertain significance for Autosomal dominant spastic paraplegia type 9; de Barsy syndrome; Cutis laxa, autosomal dominant 3. Last evaluated: 2024-11-11. Review status: criteria provided, single submitter. Criteria: Invitae Variant Classification Sherloc (09022015). Collection method: clinical testing. Allele origin: germline.
Comment: This sequence change replaces arginine, which is basic and polar, with histidine, which is basic and polar, at codon 7 of the ALDH18A1 protein (p.Arg7His). This variant is present in population databases (rs753553298, gnomAD 0.02%). This variant has not been reported in the literature in individuals affected with ALDH18A1-related conditions. ClinVar contains an entry for this variant (Variation ID: 2935952). An algorithm developed to predict the effect of missense changes on protein structure and function (PolyPhen-2) suggests that this variant is likely to be tolerated. In summary, the available evidence is currently insufficient to determine the role of this variant in disease. Therefore, it has been classified as a Variant of Uncertain Significance.